The following is an entry in ClinVar:

ClinVar aggregate classification (germline): Pathogenic/Likely pathogenic. Review status: criteria provided, multiple submitters, no conflicts (2 of 4 stars). 3 submissions from 3 submitters: Pathogenic (1); Likely pathogenic (1). 1 of the submissions does not count toward it. Last evaluated 2024-10-16.

Conditions:
Primary ciliary dyskinesia. Also called: Ciliary dyskinesia. Identifiers: Orphanet 244, MedGen C0008780, MONDO:0016575, HP:0012265.
Primary ciliary dyskinesia 3. Identifiers: Orphanet 244, MedGen C1837618, MONDO:0012085, OMIM 608644.

Submissions (3):

3billion
Classification: Pathogenic for Primary ciliary dyskinesia 3. Last evaluated: 2024-10-16. Review status: criteria provided, single submitter. Criteria: ACMG Guidelines, 2015. Collection method: clinical testing. Allele origin: germline. Affected: yes.
Comment: The variant is not observed in the gnomAD v4.1.0 dataset. Predicted Consequence/Location: Canonical splice site: predicted to alter splicing and result in a loss or disruption of normal protein function. Multiple pathogenic loss-of-function variants are reported downstream of the variant. In silico tools predict the variant to alter splicing and produce an abnormal transcript [SpliceAI: 0.94 (spliceogenicity >=0.2, non-spliceogenicity <0.1)]. The variant has been reported to be associated with DNAH5 related disorder (ClinVar ID: VCV000993030). Therefore, this variant is classified as Pathogenic according to the recommendation of ACMG/AMP guideline.

Labcorp Genetics (formerly Invitae), Labcorp
Classification: Likely pathogenic for Primary ciliary dyskinesia. Last evaluated: 2023-05-11. Review status: criteria provided, single submitter. Criteria: Invitae Variant Classification Sherloc (09022015). Collection method: clinical testing. Allele origin: germline.
Comment: In summary, the currently available evidence indicates that the variant is pathogenic, but additional data are needed to prove that conclusively. Therefore, this variant has been classified as Likely Pathogenic. Algorithms developed to predict the effect of sequence changes on RNA splicing suggest that this variant may disrupt the consensus splice site. ClinVar contains an entry for this variant (Variation ID: 993030). This variant has not been reported in the literature in individuals affected with DNAH5-related conditions. This variant is not present in population databases (gnomAD no frequency). This sequence change affects a donor splice site in intron 64 of the DNAH5 gene. It is expected to disrupt RNA splicing. Variants that disrupt the donor or acceptor splice site typically lead to a loss of protein function (PMID: 16199547), and loss-of-function variants in DNAH5 are known to be pathogenic (PMID: 11788826, 16627867).

Biochemical Molecular Genetic Laboratory, King Abdulaziz Medical City
Classification: Likely pathogenic for Primary ciliary dyskinesia 3. Last evaluated: 2020-10-11. Review status: no assertion criteria provided. Collection method: clinical testing. Allele origin: germline. Affected: yes. Not counted in ClinVar's aggregate classification.

Literature cited by the submitters: PubMed 16199547 (cited by Labcorp Genetics (formerly Invitae), Labcorp); PubMed 11788826 (cited by Labcorp Genetics (formerly Invitae), Labcorp); PubMed 16627867 (cited by Labcorp Genetics (formerly Invitae), Labcorp).

NM_001369.3(DNAH5):c.11028+2T>C

Gene: DNAH5 (dynein axonemal heavy chain 5; minus strand). Cytogenetic location: 5p15.2.
Variant type: single nucleotide variant.
Coding change: c.11028+2T>C on transcript NM_001369.3 (MANE Select); the canonical splice donor site of the intron after coding-DNA position 11028, T replaced by C.
Molecular consequence: splice donor variant.
Genome position (GRCh38, 1-based): chr5:13,752,132, A>G on the plus strand (T>C on the coding strand, the complement: DNAH5 is on the minus strand). VCF-style: chr5-13752132-A-G. GRCh37 (hg19) VCF-style: chr5-13752241-A-G.
Identifiers: ClinVar variation 993030 (VCV000993030.10), dbSNP rs773447251, ClinGen allele CA359189605.